The following is an entry in ClinVar:

NM_003737.4(DCHS1):c.9713C>T (p.Pro3238Leu)

Gene: DCHS1 (dachsous cadherin-related 1; minus strand). Cytogenetic location: 11p15.4.
Variant type: single nucleotide variant.
Coding change: c.9713C>T on transcript NM_003737.4 (MANE Select); coding-DNA position 9713, C replaced by T.
Protein change: p.Pro3238Leu; replaces proline 3238 with leucine.
Molecular consequence: missense variant.
Genome position (GRCh38, 1-based): chr11:6,621,963, G>A on the plus strand (C>T on the coding strand, the complement: DCHS1 is on the minus strand). VCF-style: chr11-6621963-G-A. GRCh37 (hg19) VCF-style: chr11-6643194-G-A.
Other names: c.9713C>T (NM_003737.2); short protein forms P3238L.
Identifiers: ClinVar variation 3017591 (VCV003017591.4), dbSNP rs774601128, ClinGen allele CA5859193.

ClinVar aggregate classification (germline): Uncertain significance. Review status: criteria provided, multiple submitters, no conflicts (2 of 4 stars). 2 submissions from 2 submitters: Uncertain significance (2). Last evaluated 2026-02-17.

Conditions:
Inborn genetic diseases. Identifiers: MedGen C0950123, MeSH D030342.

Allele frequency attached by ClinVar (database versions not stated): gnomAD 0.00001; gnomAD exomes 0.00001; TOPMed 0.00002; ExAC 0.00003.
gnomAD v4.1: 24 of 1,613,368 alleles (0.0015%); highest among the groups gnomAD compares: Non-Finnish European, 0.0018%; no homozygotes.

Submissions (2):

Ambry Genetics
Classification: Uncertain significance for Inborn genetic diseases. Last evaluated: 2026-02-17. Review status: criteria provided, single submitter. Criteria: Ambry Variant Classification Scheme 2023. Collection method: clinical testing. Allele origin: germline.

Labcorp Genetics (formerly Invitae), Labcorp
Classification: Uncertain significance. Last evaluated: 2025-10-25. Review status: criteria provided, single submitter. Criteria: Invitae Variant Classification Sherloc (09022015). Collection method: clinical testing. Allele origin: germline.
Comment: This sequence change replaces proline, which is neutral and non-polar, with leucine, which is neutral and non-polar, at codon 3238 of the DCHS1 protein (p.Pro3238Leu). This variant is present in population databases (rs774601128, gnomAD 0.007%). This variant has not been reported in the literature in individuals affected with DCHS1-related conditions. ClinVar contains an entry for this variant (Variation ID: 3017591). Invitae Evidence Modeling of protein sequence and biophysical properties (such as structural, functional, and spatial information, amino acid conservation, physicochemical variation, residue mobility, and thermodynamic stability) indicates that this missense variant is expected to disrupt DCHS1 protein function with a positive predictive value of 95%. In summary, the available evidence is currently insufficient to determine the role of this variant in disease. Therefore, it has been classified as a Variant of Uncertain Significance.